The following is an entry in ClinVar:

NM_001128840.3(CACNA1D):c.6193-3C>G

Gene: CACNA1D (calcium voltage-gated channel subunit alpha1 D; plus strand). Cytogenetic location: 3p21.1.
Variant type: single nucleotide variant.
Coding change: c.6193-3C>G on transcript NM_001128840.3 (MANE Select); 3 bases into the intron before coding-DNA position 6193, C replaced by G.
Molecular consequence: intron variant.
Genome position (GRCh38, 1-based): chr3:53,811,110, C>G. VCF-style: chr3-53811110-C-G. GRCh37 (hg19) VCF-style: chr3-53845137-C-G.
Other names: c.6121-3C>G (NM_001128839.3); c.6253-3C>G (NM_000720.4).
Identifiers: ClinVar variation 4071813 (VCV004071813.1).

ClinVar aggregate classification (germline): Uncertain significance (1 of 4 stars; one submission).

Submission:

GeneDx
Classification: Uncertain significance. Last evaluated: 2025-01-25. Review status: criteria provided, single submitter. Criteria: GeneDx Variant Classification Process June 2021. Collection method: clinical testing. Allele origin: germline. Affected: yes.
Comment: Not observed at significant frequency in large population cohorts (gnomAD); In silico analysis supports a deleterious effect on splicing; Has not been previously published as pathogenic or benign to our knowledge